The following is an entry in ClinVar:

ClinVar aggregate classification (germline): Uncertain significance (1 of 4 stars; one submission).

Submission:

Labcorp Genetics (formerly Invitae), Labcorp
Classification: Uncertain significance. Last evaluated: 2025-12-23. Review status: criteria provided, single submitter. Criteria: Invitae Variant Classification Sherloc (09022015). Collection method: clinical testing. Allele origin: germline.
Comment: This sequence change replaces isoleucine, which is neutral and non-polar, with valine, which is neutral and non-polar, at codon 158 of the SLC10A2 protein (p.Ile158Val). This variant is present in population databases (rs776844393, gnomAD 0.02%). This variant has not been reported in the literature in individuals affected with SLC10A2-related conditions. An algorithm developed to predict the effect of missense changes on protein structure and function (PolyPhen-2) suggests that this variant is likely to be tolerated. In summary, the available evidence is currently insufficient to determine the role of this variant in disease. Therefore, it has been classified as a Variant of Uncertain Significance.

NM_000452.3(SLC10A2):c.472A>G (p.Ile158Val)

Gene: SLC10A2 (solute carrier family 10 member 2; minus strand). Cytogenetic location: 13q33.1.
Variant type: single nucleotide variant.
Coding change: c.472A>G on transcript NM_000452.3 (MANE Select); coding-DNA position 472, A replaced by G.
Protein change: p.Ile158Val; replaces isoleucine 158 with valine.
Molecular consequence: missense variant.
Genome position (GRCh38, 1-based): chr13:103,058,288, T>C on the plus strand (A>G on the coding strand, the complement: SLC10A2 is on the minus strand). VCF-style: chr13-103058288-T-C. GRCh37 (hg19) VCF-style: chr13-103710638-T-C.
Other names: short protein forms I158V.
Identifiers: ClinVar variation 4765762 (VCV004765762.1).